The following is an entry in ClinVar:

NM_001220.5(CAMK2B):c.1094_1095insGGC (p.Ala365dup)

Gene: CAMK2B (calcium/calmodulin dependent protein kinase II beta; minus strand). Cytogenetic location: 7p13.
Variant type: Insertion.
Coding change: c.1094_1095insGGC on transcript NM_001220.5 (MANE Select); coding-DNA positions 1094 to 1095, GGC inserted.
Protein change: p.Ala365dup; duplicates alanine 365.
Molecular consequence: inframe insertion. On other transcripts: intron variant (3).
Genome position: GRCh38 VCF-style: chr7-44234426-G-GGCC. GRCh37 (hg19) VCF-style: chr7-44274025-G-GGCC.
Other names: c.1094_1095insGGC, p.Ala365dup (NM_001293170.2, NM_172078.3); c.1022_1023insGGC, p.Ala341dup (NM_172079.3, NM_172081.3); c.1019_1020insGGC, p.Ala340dup (NM_172080.3); c.946+6280_946+6281insGCG (NM_172084.3); c.987+212_987+213insGCG (NM_172083.3); c.1059+212_1059+213insGCG (NM_172082.3).
Identifiers: ClinVar variation 1505570 (VCV001505570.8), dbSNP rs2128933913, ClinGen allele CA2573142138.

ClinVar aggregate classification (germline): Uncertain significance (1 of 4 stars; one submission).

Submission:

Labcorp Genetics (formerly Invitae), Labcorp
Classification: Uncertain significance. Last evaluated: 2020-12-04. Review status: criteria provided, single submitter. Criteria: Invitae Variant Classification Sherloc (09022015). Collection method: clinical testing. Allele origin: germline.
Comment: In summary, the available evidence is currently insufficient to determine the role of this variant in disease. Therefore, it has been classified as a Variant of Uncertain Significance. Experimental studies and prediction algorithms are not available or were not evaluated, and the functional significance of this variant is currently unknown. This variant has not been reported in the literature in individuals with CAMK2B-related conditions. This variant is not present in population databases (ExAC no frequency). This variant, c.1094_1095insGGC, results in the insertion of 1 amino acid(s) to the CAMK2B protein (p.Ala365dup), but otherwise preserves the integrity of the reading frame.